The following is an entry in ClinVar:

NM_001325.3(CSTF2):c.90G>T (p.Glu30Asp)

Gene: CSTF2 (cleavage stimulation factor subunit 2; plus strand). Cytogenetic location: Xq22.1.
Variant type: single nucleotide variant.
Coding change: c.90G>T on transcript NM_001325.3 (MANE Select); coding-DNA position 90, G replaced by T.
Protein change: p.Glu30Asp; replaces glutamic acid 30 with aspartic acid.
Molecular consequence: missense variant.
Genome position (GRCh38, 1-based): chrX:100,821,558, G>T. VCF-style: chrX-100821558-G-T. GRCh37 (hg19) VCF-style: chrX-100076547-G-T.
Other names: c.90G>T, p.Glu30Asp (NM_001306206.2, NM_001306209.2); short protein forms E30D.
Identifiers: ClinVar variation 5020180 (VCV005020180.1).
Genomic context (GRCh38, chrX:100,821,558, plus strand): 5'-ATTTTAATGTTACCTATTTTCTTCCTTAGTGGGGAACATTCCTTATGAAGCTACTGAAGA[G>T]CAGTTGAAGGACATCTTTTCTGAGGTTGGACCTGTTGTTAGTTTCAGGTGAGATCCCCTT-3'
Protein context (NP_001316.1, residues 20-40): VGNIPYEATE[Glu30Asp]QLKDIFSEVG

ClinVar aggregate classification (germline): Uncertain significance (1 of 4 stars; one submission).

Submission:

Dasa
Classification: Uncertain significance. Last evaluated: 2026-07-17. Review status: criteria provided, single submitter. Criteria: DASA Assertion Criteria. Collection method: clinical testing. Allele origin: germline.
Comment: NM_001325.3(CSTF2):c.90G>T (p.Glu30Asp) is a missense variant that results in the substitution of glutamic acid with aspartic acid. This variant is rare in population databases. The currently available literature and clinical evidence are not sufficient to establish a definitive association between this variant and the reported condition. Therefore, this variant is classified as a variant of uncertain significance.